The following is an entry in ClinVar:

NM_000642.3(AGL):c.420del (p.Phe140fs)

Gene: AGL (amylo-alpha-1,6-glucosidase and 4-alpha-glucanotransferase; plus strand). Cytogenetic location: 1p21.2.
Variant type: Deletion.
Coding change: c.420del on transcript NM_000642.3 (MANE Select); coding-DNA position 420, one base deleted (T; older notation c.420delT).
Protein change: p.Phe140fs; shifts the reading frame from phenylalanine 140.
Molecular consequence: frameshift variant.
Genome position (GRCh38, 1-based): chr1:99,862,383, T deleted; the last of 4 consecutive T bases (chr1:99,862,380-99,862,383); deleting any one gives the same sequence. VCF-style (leftmost placement, unchanged base first): chr1-99862379-CT-C. GRCh37 (hg19) VCF-style: chr1-100327935-CT-C.
Other names: c.420delT, p.Phe140Leufs (NM_000028.3, NM_000643.3, NM_000644.3 and 5 more transcripts); c.372delT, p.Phe124Leufs (NM_000646.3); short protein forms F140fs, F124fs.
Identifiers: ClinVar variation 1452534 (VCV001452534.6), dbSNP rs1406033695, ClinGen allele CA524878373.

ClinVar aggregate classification (germline): Pathogenic (1 of 4 stars; one submission).

Conditions:
Glycogen storage disease type III (GSD3). Also called: FORBES DISEASE; Cori disease. Identifiers: Orphanet 366, MedGen C0017922, MONDO:0009291, OMIM 232400.

Submission:

Labcorp Genetics (formerly Invitae), Labcorp
Classification: Pathogenic for Glycogen storage disease type III. Last evaluated: 2022-11-22. Review status: criteria provided, single submitter. Criteria: Invitae Variant Classification Sherloc (09022015). Collection method: clinical testing. Allele origin: germline.
Comment: This sequence change creates a premature translational stop signal (p.Phe140Leufs*18) in the AGL gene. It is expected to result in an absent or disrupted protein product. Loss-of-function variants in AGL are known to be pathogenic (PMID: 19299494). For these reasons, this variant has been classified as Pathogenic. ClinVar contains an entry for this variant (Variation ID: 1452534). This variant has not been reported in the literature in individuals affected with AGL-related conditions. This variant is present in population databases (no rsID available, gnomAD 0.007%).

Literature cited by the submitters: PubMed 19299494.